The following is an entry in ClinVar:

NM_000038.6(APC):c.7774G>C (p.Val2592Leu)

Gene: APC (APC regulator of Wnt signaling pathway; plus strand). Cytogenetic location: 5q22.2.
Variant type: single nucleotide variant.
Coding change: c.7774G>C on transcript NM_000038.6 (MANE Select); coding-DNA position 7774, G replaced by C.
Protein change: p.Val2592Leu; replaces valine 2592 with leucine.
Molecular consequence: missense variant. On other transcripts: non-coding transcript variant (2).
Genome position (GRCh38, 1-based): chr5:112,843,368, G>C. VCF-style: chr5-112843368-G-C. GRCh37 (hg19) VCF-style: chr5-112179065-G-C.
Other names: c.7525G>C, p.Val2509Leu (NM_001407455.1, NM_001407456.1, NM_001407457.1 and 1 more transcripts); c.7471G>C, p.Val2491Leu (NM_001407458.1, NM_001407459.1, NM_001407460.1 and 1 more transcripts); c.7387G>C, p.Val2463Leu (NM_001407467.1, NM_001407469.1); c.6925G>C, p.Val2309Leu (NM_001407470.1, NM_001354906.2); c.6622G>C, p.Val2208Leu (NM_001407471.1, NM_001407472.1); c.7774G>C, p.Val2592Leu (NM_001127510.3, NM_001354895.2, NM_001407450.1); c.7720G>C, p.Val2574Leu (NM_001127511.3); c.7828G>C, p.Val2610Leu (NM_001354896.2, NM_001407447.1, NM_001407448.1 and 1 more transcripts); and 11 more; short protein forms V2509L, V2564L, V2602L, V2208L, V2463L, V2567L, V2574L, V2592L.
Identifiers: ClinVar variation 2841190 (VCV002841190.3), dbSNP rs2149993564, ClinGen allele CA16038220.

ClinVar aggregate classification (germline): Uncertain significance (1 of 4 stars; one submission).

Conditions:
Familial adenomatous polyposis 1 (FAP1). Also called: FAMILIAL ADENOMATOUS POLYPOSIS 1, ATTENUATED; POLYPOSIS, ADENOMATOUS INTESTINAL. Identifiers: MedGen C2713442, MONDO:0021056, OMIM 175100. Disease mechanism: loss of function.

Submission:

Labcorp Genetics (formerly Invitae), Labcorp
Classification: Uncertain significance for Familial adenomatous polyposis 1. Last evaluated: 2023-02-26. Review status: criteria provided, single submitter. Criteria: Invitae Variant Classification Sherloc (09022015). Collection method: clinical testing. Allele origin: germline.
Comment: This sequence change replaces valine, which is neutral and non-polar, with leucine, which is neutral and non-polar, at codon 2592 of the APC protein (p.Val2592Leu). In summary, the available evidence is currently insufficient to determine the role of this variant in disease. Therefore, it has been classified as a Variant of Uncertain Significance. Advanced modeling of protein sequence and biophysical properties (such as structural, functional, and spatial information, amino acid conservation, physicochemical variation, residue mobility, and thermodynamic stability) performed at Invitae indicates that this missense variant is not expected to disrupt APC protein function. This variant has not been reported in the literature in individuals affected with APC-related conditions. This variant is not present in population databases (gnomAD no frequency).